The following is an entry in ClinVar:

ClinVar aggregate classification (germline): Uncertain significance. Review status: criteria provided, multiple submitters, no conflicts (2 of 4 stars). 2 submissions from 2 submitters: Uncertain significance (2). Last evaluated 2020-02-11.

Conditions:
Intellectual developmental disorder, autosomal dominant 1. Also called: Intellectual disability, autosomal dominant 1; MBD5 Haploinsufficiency. Identifiers: Orphanet 228402, MedGen C1969562, MONDO:0007974, OMIM 156200.

gnomAD v4.1: 2 of 1,613,934 alleles (0.00012%); highest among the groups gnomAD compares: South Asian, 0.0022%; no homozygotes.

Submissions (2):

GeneDx
Classification: Uncertain significance. Last evaluated: 2020-02-11. Review status: criteria provided, single submitter. Criteria: GeneDx Variant Classification Process June 2021. Collection method: clinical testing. Allele origin: germline. Affected: yes.
Comment: Not observed in large population cohorts (Lek et al., 2016); In silico analysis supports that this missense variant does not alter protein structure/function; Has not been previously published as pathogenic or benign to our knowledge

Labcorp Genetics (formerly Invitae), Labcorp
Classification: Uncertain significance for Mental retardation, autosomal dominant 1. Last evaluated: 2018-07-04. Review status: criteria provided, single submitter. Criteria: Invitae Variant Classification Sherloc (09022015). Collection method: clinical testing. Allele origin: germline.
Comment: This sequence change replaces glutamine with histidine at codon 786 of the MBD5 protein (p.Gln786His). The glutamine residue is highly conserved and there is a small physicochemical difference between glutamine and histidine. This variant is not present in population databases (ExAC no frequency). This variant has not been reported in the literature in individuals with MBD5-related disease. Algorithms developed to predict the effect of missense changes on protein structure and function output the following: SIFT: "Deleterious"; PolyPhen-2: "Benign"; Align-GVGD: "Class C15". The histidine amino acid residue is found in multiple mammalian species, suggesting that this missense change does not adversely affect protein function. These predictions have not been confirmed by published functional studies and their clinical significance is uncertain. In summary, the available evidence is currently insufficient to determine the role of this variant in disease. Therefore, it has been classified as a Variant of Uncertain Significance.

NM_001378120.1(MBD5):c.2358G>T (p.Gln786His)

Gene: MBD5 (methyl-CpG binding domain protein 5; plus strand). Cytogenetic location: 2q23.1.
Variant type: single nucleotide variant.
Coding change: c.2358G>T on transcript NM_001378120.1 (MANE Select); coding-DNA position 2358, G replaced by T.
Protein change: p.Gln786His; replaces glutamine 786 with histidine.
Molecular consequence: missense variant.
Genome position (GRCh38, 1-based): chr2:148,470,301, G>T. VCF-style: chr2-148470301-G-T. GRCh37 (hg19) VCF-style: chr2-149227870-G-T.
Other names: c.2358G>T, p.Gln786His (NM_018328.5); short protein forms Q786H.
Identifiers: ClinVar variation 640599 (VCV000640599.3), dbSNP rs1574462092, ClinGen allele CA348721690.
Genomic context (GRCh38, chr2:148,470,301, plus strand): 5'-TAACTTTGTTCACAGTAACAGTCCAGTCCCCAACCACCATCTTGCAGGTTTAATAAATCA[G>T]ATTCAGGCTAGCGGGAACTGTGGGATGCTCAGTCAGTCGGGCATGGCTTTAGGAAATTCC-3'
Protein context (NP_001365049.1, residues 776-796): PNHHLAGLIN[Gln786His]IQASGNCGML